The following is an entry in ClinVar:

NM_000817.3(GAD1):c.781A>G (p.Met261Val)

Gene: GAD1 (glutamate decarboxylase 1; plus strand). Cytogenetic location: 2q31.1.
Variant type: single nucleotide variant.
Coding change: c.781A>G on transcript NM_000817.3 (MANE Select); coding-DNA position 781, A replaced by G.
Protein change: p.Met261Val; replaces methionine 261 with valine.
Molecular consequence: missense variant.
Genome position (GRCh38, 1-based): chr2:170,845,535, A>G. VCF-style: chr2-170845535-A-G. GRCh37 (hg19) VCF-style: chr2-171702045-A-G.
Other names: short protein forms M261V.
Identifiers: ClinVar variation 2331980 (VCV002331980.3), dbSNP rs763492866, ClinGen allele CA1962732.

ClinVar aggregate classification (germline): Uncertain significance (1 of 4 stars; one submission).

Conditions:
Inborn genetic diseases. Identifiers: MedGen C0950123, MeSH D030342.

Allele frequency attached by ClinVar (database versions not stated): ExAC 0.00001; gnomAD exomes 0.00001; TOPMed 0.00002.
gnomAD v4.1: 6 of 1,614,032 alleles (0.00037%); highest among the groups gnomAD compares: East Asian, 0.0067%; no homozygotes.

Submission:

Ambry Genetics
Classification: Uncertain significance for Inborn genetic diseases. Last evaluated: 2025-10-28. Review status: criteria provided, single submitter. Criteria: Ambry Variant Classification Scheme 2023. Collection method: clinical testing. Allele origin: germline.
Comment: The c.781A>G (p.M261V) alteration is located in exon 8 (coding exon 7) of the GAD1 gene. This alteration results from a A to G substitution at nucleotide position 781, causing the methionine (M) at amino acid position 261 to be replaced by a valine (V). Based on data from gnomAD, the G allele has an overall frequency of 0.001% (2/251408) total alleles studied. The highest observed frequency was 0.005% (1/18394) of East Asian alleles. Based on insufficient or conflicting evidence, the clinical significance of this alteration remains unclear.